The following is an entry in ClinVar:

NM_017780.4(CHD7):c.637T>A (p.Phe213Ile)

Gene: CHD7 (chromodomain helicase DNA binding protein 7; plus strand). Cytogenetic location: 8q12.2.
Variant type: single nucleotide variant.
Coding change: c.637T>A on transcript NM_017780.4 (MANE Select); coding-DNA position 637, T replaced by A.
Protein change: p.Phe213Ile; replaces phenylalanine 213 with isoleucine.
Molecular consequence: missense variant.
Genome position (GRCh38, 1-based): chr8:60,742,069, T>A. VCF-style: chr8-60742069-T-A. GRCh37 (hg19) VCF-style: chr8-61654628-T-A.
Other names: c.637T>A, p.Phe213Ile (NM_001316690.1); short protein forms F213I.
Identifiers: ClinVar variation 4082592 (VCV004082592.3).

ClinVar aggregate classification (germline): Uncertain significance. Review status: criteria provided, multiple submitters, no conflicts (2 of 4 stars). 3 submissions from 3 submitters: Uncertain significance (3). Last evaluated 2025-09-29.

Conditions:
CHARGE syndrome (CHARGE). Also called: Hittner Hirsch Kreh syndrome; CHARGE ASSOCIATION--COLOBOMA, HEART ANOMALY, CHOANAL ATRESIA, RETARDATION, GENITAL AND EAR ANOMALIES; Coloboma, heart anomaly, choanal atresia, retardation, genital and ear anomalies; CHARGE association; Hall-Hittner syndrome. Identifiers: Orphanet 138, MedGen C0265354, MONDO:0008965.

gnomAD v4.1: 1 of 1,613,860 alleles (0.000062%); highest among the groups gnomAD compares: East Asian, 0.0022%; no homozygotes.

Submissions (3):

Labcorp Genetics (formerly Invitae), Labcorp
Classification: Uncertain significance for CHARGE syndrome. Last evaluated: 2025-09-29. Review status: criteria provided, single submitter. Criteria: Invitae Variant Classification Sherloc (09022015). Collection method: clinical testing. Allele origin: germline.
Comment: This sequence change replaces phenylalanine, which is neutral and non-polar, with isoleucine, which is neutral and non-polar, at codon 213 of the CHD7 protein (p.Phe213Ile). This variant is not present in population databases (gnomAD no frequency). This variant has not been reported in the literature in individuals affected with CHD7-related conditions. Invitae Evidence Modeling of protein sequence and biophysical properties (such as structural, functional, and spatial information, amino acid conservation, physicochemical variation, residue mobility, and thermodynamic stability) indicates that this missense variant is not expected to disrupt CHD7 protein function with a negative predictive value of 95%. In summary, the available evidence is currently insufficient to determine the role of this variant in disease. Therefore, it has been classified as a Variant of Uncertain Significance.

GeneDx
Classification: Uncertain significance. Last evaluated: 2025-03-02. Review status: criteria provided, single submitter. Criteria: GeneDx Variant Classification Process June 2021. Collection method: clinical testing. Allele origin: germline. Affected: yes.
Comment: Not observed at significant frequency in large population cohorts (gnomAD); In silico analysis indicates that this missense variant does not alter protein structure/function; Has not been previously published as pathogenic or benign to our knowledge

Blueprint Genetics
Classification: Uncertain significance. Last evaluated: 2024-09-15. Review status: criteria provided, single submitter. Criteria: ACMG Guidelines, 2015. Collection method: clinical testing. Allele origin: germline.